The following is an entry in ClinVar:

NM_001035.3(RYR2):c.14895G>A (p.Gln4965=)

Gene: RYR2 (ryanodine receptor 2; plus strand). Cytogenetic location: 1q43.
Variant type: single nucleotide variant.
Coding change: c.14895G>A on transcript NM_001035.3 (MANE Select); coding-DNA position 14895, G replaced by A.
Protein change: p.Gln4965=; no amino-acid change (glutamine 4965 retained).
Molecular consequence: synonymous variant.
Genome position (GRCh38, 1-based): chr1:237,832,638, G>A. VCF-style: chr1-237832638-G-A. GRCh37 (hg19) VCF-style: chr1-237995938-G-A.
Other names: c.14895G>A, p.Gln4965= (LRG_402t1).
Identifiers: ClinVar variation 517679 (VCV000517679.5), dbSNP rs770551852, ClinGen allele CA085788.

ClinVar aggregate classification (germline): Likely benign. Review status: criteria provided, multiple submitters, no conflicts (2 of 4 stars). 2 submissions from 2 submitters: Likely benign (2). Last evaluated 2022-05-27.

Conditions:
Catecholaminergic polymorphic ventricular tachycardia 1. Also called: RYR2-Related Catecholaminergic Polymorphic Ventricular Tachycardia; VENTRICULAR TACHYCARDIA, CATECHOLAMINERGIC POLYMORPHIC, 1, WITH OR WITHOUT ATRIAL DYSFUNCTION AND/OR DILATED CARDIOMYOPATHY; VENTRICULAR TACHYCARDIA, STRESS-INDUCED POLYMORPHIC 1. Identifiers: Orphanet 3286, MedGen C1631597, MONDO:0011484, OMIM 604772.

Allele frequency attached by ClinVar (database versions not stated): gnomAD exomes below 0.00001; TOPMed below 0.00001; ExAC 0.00001.

Submissions (2):

Labcorp Genetics (formerly Invitae), Labcorp
Classification: Likely benign for Catecholaminergic polymorphic ventricular tachycardia 1. Last evaluated: 2022-05-27. Review status: criteria provided, single submitter. Criteria: Invitae Variant Classification Sherloc (09022015). Collection method: clinical testing. Allele origin: germline.

GeneDx
Classification: Likely benign. Last evaluated: 2017-01-18. Review status: criteria provided, single submitter. Criteria: GeneDx Variant Classification (06012015). Collection method: clinical testing. Allele origin: germline. Affected: yes.
Comment: This variant is considered likely benign or benign based on one or more of the following criteria: it is a conservative change, it occurs at a poorly conserved position in the protein, it is predicted to be benign by multiple in silico algorithms, and/or has population frequency not consistent with disease.